The following is an entry in ClinVar:

ClinVar aggregate classification (germline): Uncertain significance. Review status: criteria provided, multiple submitters, no conflicts (2 of 4 stars). 2 submissions from 2 submitters: Uncertain significance (2). Last evaluated 2025-09-24.

Allele frequency attached by ClinVar (database versions not stated): TOPMed 0.00001; ExAC 0.00009.

Submissions (2):

Labcorp Genetics (formerly Invitae), Labcorp
Classification: Uncertain significance. Last evaluated: 2025-09-24. Review status: criteria provided, single submitter. Criteria: Invitae Variant Classification Sherloc (09022015). Collection method: clinical testing. Allele origin: germline.
Comment: This sequence change replaces arginine, which is basic and polar, with histidine, which is basic and polar, at codon 1243 of the MYH7B protein (p.Arg1243His). The frequency data for this variant in the population databases is considered unreliable, as metrics indicate poor data quality at this position in the gnomAD database. This variant has not been reported in the literature in individuals affected with MYH7B-related conditions. ClinVar contains an entry for this variant (Variation ID: 3158533). Invitae Evidence Modeling of protein sequence and biophysical properties (such as structural, functional, and spatial information, amino acid conservation, physicochemical variation, residue mobility, and thermodynamic stability) indicates that this missense variant is expected to disrupt MYH7B protein function with a positive predictive value of 80%. In summary, the available evidence is currently insufficient to determine the role of this variant in disease. Therefore, it has been classified as a Variant of Uncertain Significance.

Ambry Genetics
Classification: Uncertain significance. Last evaluated: 2023-12-27. Review status: criteria provided, single submitter. Criteria: Ambry Variant Classification Scheme 2023. Collection method: clinical testing. Allele origin: germline.

NM_020884.7(MYH7B):c.3602G>A (p.Arg1201His)

Gene: MYH7B (myosin heavy chain 7B; plus strand). Cytogenetic location: 20q11.22.
Variant type: single nucleotide variant.
Coding change: c.3602G>A on transcript NM_020884.7 (MANE Select); coding-DNA position 3602, G replaced by A.
Protein change: p.Arg1201His; replaces arginine 1201 with histidine.
Molecular consequence: missense variant.
Genome position (GRCh38, 1-based): chr20:34,997,495, G>A. VCF-style: chr20-34997495-G-A. GRCh37 (hg19) VCF-style: chr20-33585298-G-A.
Other names: short protein forms R1201H.
Identifiers: ClinVar variation 3158533 (VCV003158533.2), dbSNP rs778420831, ClinGen allele CA9827778.
Genomic context (GRCh38, chr20:34,997,495, plus strand): 5'-TGCGGCGGGAGCTGGAGGAGGCGGCGCTGCGGCACGAGGCCACAGTGGCGGCACTGCGGC[G>A]CAAGCAGGCGGAGGGCGCGGCGGAGCTGGGGGAGCAGGTGGACAGCCTGCAGCGGGTGCG-3'
Protein context (NP_065935.4, residues 1191-1211): RHEATVAALR[Arg1201His]KQAEGAAELG